The following is an entry in ClinVar:

NM_001349253.2(SCN11A):c.3344G>T (p.Gly1115Val)

Gene: SCN11A (sodium voltage-gated channel alpha subunit 11; minus strand). Cytogenetic location: 3p22.2.
Variant type: single nucleotide variant.
Coding change: c.3344G>T on transcript NM_001349253.2 (MANE Select); coding-DNA position 3344, G replaced by T.
Protein change: p.Gly1115Val; replaces glycine 1115 with valine.
Molecular consequence: missense variant.
Genome position (GRCh38, 1-based): chr3:38,879,999, C>A on the plus strand (G>T on the coding strand, the complement: SCN11A is on the minus strand). VCF-style: chr3-38879999-C-A. GRCh37 (hg19) VCF-style: chr3-38921490-C-A.
Other names: c.3344G>T, p.Gly1115Val (NM_014139.3); short protein forms G1115V.
Identifiers: ClinVar variation 2933588 (VCV002933588.3), dbSNP rs2471053052, ClinGen allele CA352172579.

ClinVar aggregate classification (germline): Uncertain significance (1 of 4 stars; one submission).

Conditions:
Hereditary sensory and autonomic neuropathy type 7. Also called: Neuropathy, hereditary sensory and autonomic, type VII; HSAN VII. Identifiers: Orphanet 391397, MedGen C3809882, MONDO:0014244, OMIM 615548.
Familial episodic pain syndrome with predominantly lower limb involvement. Also called: Episodic pain syndrome, familial, 3. Identifiers: Orphanet 391384, Orphanet 391392, MedGen C3809899, MONDO:0014247, OMIM 615552.

Allele frequency attached by ClinVar (database versions not stated): gnomAD exomes below 0.00001.
gnomAD v4.1: 1 of 1,613,060 alleles (0.000062%); highest among the groups gnomAD compares: Non-Finnish European, 0.000085%; no homozygotes.

Submission:

Labcorp Genetics (formerly Invitae), Labcorp
Classification: Uncertain significance for Familial episodic pain syndrome with predominantly lower limb involvement; Hereditary sensory and autonomic neuropathy type 7. Last evaluated: 2022-10-27. Review status: criteria provided, single submitter. Criteria: Invitae Variant Classification Sherloc (09022015). Collection method: clinical testing. Allele origin: germline.
Comment: In summary, the available evidence is currently insufficient to determine the role of this variant in disease. Therefore, it has been classified as a Variant of Uncertain Significance. Advanced modeling of protein sequence and biophysical properties (such as structural, functional, and spatial information, amino acid conservation, physicochemical variation, residue mobility, and thermodynamic stability) performed at Invitae indicates that this missense variant is not expected to disrupt SCN11A protein function. This variant has not been reported in the literature in individuals affected with SCN11A-related conditions. This variant is not present in population databases (gnomAD no frequency). This sequence change replaces glycine, which is neutral and non-polar, with valine, which is neutral and non-polar, at codon 1115 of the SCN11A protein (p.Gly1115Val).